The following is an entry in ClinVar:

ClinVar aggregate classification (germline): Uncertain significance. Review status: criteria provided, multiple submitters, no conflicts (2 of 4 stars). 2 submissions from 2 submitters: Uncertain significance (2). Last evaluated 2025-06-09.

Conditions:
Inborn genetic diseases. Identifiers: MedGen C0950123, MeSH D030342.

Allele frequency attached by ClinVar (database versions not stated): ExAC 0.00006; gnomAD 0.00010; TOPMed 0.00010; ESP Exome Variant Server 0.00015.
gnomAD v4.1: 133 of 1,614,080 alleles (0.0082%); highest among the groups gnomAD compares: Middle Eastern, 0.016%; 1 homozygote.

Submissions (2):

Women's Health and Genetics/Laboratory Corporation of America, LabCorp
Classification: Uncertain significance. Last evaluated: 2025-06-09. Review status: criteria provided, single submitter. Criteria: LabCorp Variant Classification Summary - May 2015. Collection method: clinical testing. Allele origin: germline.
Comment: Variant summary: VWF c.2536T>G (p.Cys846Gly) results in a non-conservative amino acid change in the encoded protein sequence. Algorithms developed to predict the effect of missense changes on protein structure and function all suggest that this variant is likely to be disruptive. The variant allele was found at a frequency of 0.00012 in 251456 control chromosomes. This frequency is not significantly higher than estimated for a pathogenic variant in VWF causing Von Willebrand Disease, allowing no conclusion about variant significance. To our knowledge, no occurrence of c.2536T>G in individuals affected with Von Willebrand Disease and no experimental evidence demonstrating its impact on protein function have been reported. ClinVar contains an entry for this variant (Variation ID: 2351637). Based on the evidence outlined above, the variant was classified as uncertain significance.

Ambry Genetics
Classification: Uncertain significance for Inborn genetic diseases. Last evaluated: 2022-09-22. Review status: criteria provided, single submitter. Criteria: Ambry Variant Classification Scheme 2023. Collection method: clinical testing. Allele origin: germline.

NM_000552.5(VWF):c.2536T>G (p.Cys846Gly)

Gene: VWF (von Willebrand factor; minus strand). Cytogenetic location: 12p13.31.
Variant type: single nucleotide variant.
Coding change: c.2536T>G on transcript NM_000552.5 (MANE Select); coding-DNA position 2536, T replaced by G.
Protein change: p.Cys846Gly; replaces cysteine 846 with glycine.
Molecular consequence: missense variant.
Genome position (GRCh38, 1-based): chr12:6,036,398, A>C on the plus strand (T>G on the coding strand, the complement: VWF is on the minus strand). VCF-style: chr12-6036398-A-C. GRCh37 (hg19) VCF-style: chr12-6145564-A-C.
Other names: short protein forms C846G.
Identifiers: ClinVar variation 2351637 (VCV002351637.3), dbSNP rs200106723, ClinGen allele CA6403045.
Genomic context (GRCh38, chr12:6,036,398, plus strand): 5'-CTCCACCCGCAGGGCCTGGGTCCCCGGCGCAGCCCCTCACTGAGCCTCACCAAGTGTTGC[A>C]GCCAATCTTCACTGTTTCTCCAGGGGCATACTCCTTGCCCTGATGGAAGCAGGGACACCT-3'
Protein context (NP_000543.3, residues 836-856): YAPGETVKIG[Cys846Gly]NTCVCQDRKW